The following is an entry in ClinVar:

NM_000203.5(IDUA):c.250G>A (p.Gly84Ser)

Genes: IDUA (alpha-L-iduronidase; plus strand), SLC26A1 (solute carrier family 26 member 1; minus strand). Cytogenetic location: 4p16.3.
Variant type: single nucleotide variant.
Coding change: c.250G>A on transcript NM_000203.5 (MANE Select); coding-DNA position 250, G replaced by A.
Protein change: p.Gly84Ser; replaces glycine 84 with serine.
Molecular consequence: missense variant. On other transcripts: 3 prime UTR variant (2), non-coding transcript variant (1), intron variant (1).
Genome position (GRCh38, 1-based): chr4:987,900, G>A. VCF-style: chr4-987900-G-A. GRCh37 (hg19) VCF-style: chr4-981688-G-A.
Other names: c.*933C>T (NM_022042.4, NM_213613.4); c.576+3228C>T (NM_134425.4); short protein forms G84S.
Identifiers: ClinVar variation 726495 (VCV000726495.13), dbSNP rs564306004, ClinGen allele CA2801152.

ClinVar aggregate classification (germline): Uncertain significance. Review status: criteria provided, multiple submitters, no conflicts (2 of 4 stars). 4 submissions from 4 submitters: Uncertain significance (4). Last evaluated 2025-06-03.

Conditions:
Inborn genetic diseases. Identifiers: MedGen C0950123, MeSH D030342.
Mucopolysaccharidosis type 1. Also called: IDUA deficiency; MPS I. Identifiers: Orphanet 579, MedGen C0023786, MONDO:0001586.

Allele frequency attached by ClinVar (database versions not stated): TOPMed 0.00002; gnomAD below 0.00001 and 0.00017; 1000 Genomes Project 0.00200; ExAC 0.00063; gnomAD exomes 0.00035; 1000 Genomes Project 30x 0.00156.
gnomAD v4.1: 296 of 1,608,582 alleles (0.018%); highest among the groups gnomAD compares: South Asian, 0.3%; 3 homozygotes.

Submissions (4):

Revvity Omics, Revvity
Classification: Uncertain significance. Last evaluated: 2025-06-03. Review status: criteria provided, single submitter. Criteria: ACMG Guidelines, 2015. Collection method: clinical testing. Allele origin: germline.

Labcorp Genetics (formerly Invitae), Labcorp
Classification: Uncertain significance for Mucopolysaccharidosis type 1. Last evaluated: 2022-11-01. Review status: criteria provided, single submitter. Criteria: Invitae Variant Classification Sherloc (09022015). Collection method: clinical testing. Allele origin: germline.
Comment: This sequence change replaces glycine, which is neutral and non-polar, with serine, which is neutral and polar, at codon 84 of the IDUA protein (p.Gly84Ser). This variant is present in population databases (rs564306004, gnomAD 0.3%), including at least one homozygous and/or hemizygous individual. This missense change has been observed in individual(s) with mucopolysaccharidosis type I (PMID: 23465405). ClinVar contains an entry for this variant (Variation ID: 726495). Advanced modeling of protein sequence and biophysical properties (such as structural, functional, and spatial information, amino acid conservation, physicochemical variation, residue mobility, and thermodynamic stability) has been performed at Invitae for this missense variant, however the output from this modeling did not meet the statistical confidence thresholds required to predict the impact of this variant on IDUA protein function. In summary, the available evidence is currently insufficient to determine the role of this variant in disease. Therefore, it has been classified as a Variant of Uncertain Significance.

GeneDx
Classification: Uncertain significance. Last evaluated: 2021-10-04. Review status: criteria provided, single submitter. Criteria: GeneDx Variant Classification Process June 2021. Collection method: clinical testing. Allele origin: germline. Affected: yes.
Comment: Identified in a patient who had an abnormal newborn screening result for MPS I (Scott et al., 2013); In silico analysis supports that this missense variant has a deleterious effect on protein structure/function; This variant is associated with the following publications: (PMID: 28676128, 23465405)

Ambry Genetics
Classification: Uncertain significance for Inborn genetic diseases. Last evaluated: 2017-12-07. Review status: criteria provided, single submitter. Criteria: Ambry exome assertion method (8-5-2015). Collection method: clinical testing. Allele origin: germline. Affected: yes. Observed: 1 variant allele.

Literature cited by the submitters: PubMed 23465405 (cited by Labcorp Genetics (formerly Invitae), Labcorp and Ambry Genetics).